The following is an entry in ClinVar:

ClinVar aggregate classification (germline): Uncertain significance. Review status: reviewed by expert panel (3 of 4 stars). 4 submissions from 4 submitters: Uncertain significance (1). 3 of the submissions do not count toward it. Last evaluated 2024-11-13.

Conditions:
Hereditary thrombocytopenia and hematological cancer predisposition syndrome associated with RUNX1. Also called: PLATELET DISORDER, ASPIRIN-LIKE; Familial Platelet Disorder with Propensity to Acute Myelogenous Leukemia; Familial thrombocytopenia with propensity to acute myelogenous leukemia; RUNX1 Familial Platelet Disorder with Associated Myeloid Malignancies. Identifiers: Orphanet 71290, MedGen C1832388, MeSH C563324, MONDO:0100083, OMIM 601399.
Hereditary thrombocytopenia and hematologic cancer predisposition syndrome. Identifiers: Orphanet 71290, MedGen CN281654, MONDO:0011071.
Inborn genetic diseases. Identifiers: MedGen C0950123, MeSH D030342.

Allele frequency attached by ClinVar (database versions not stated): gnomAD exomes below 0.00001.

Submissions (4):

ClinGen Myeloid Malignancy Variant Curation Expert Panel
Classification: Uncertain significance for Hereditary thrombocytopenia and hematologic cancer predisposition syndrome. Last evaluated: 2024-11-13. Review status: reviewed by expert panel. Criteria: ClinGen MyeloMalig ACMG Specifications v2. Collection method: curation. Allele origin: germline. Inheritance: Autosomal dominant inheritance.
Comment: NM_001754.5(RUNX1):c.1102A>T (p.Met368Leu) is a missense variant which has a REVEL score < 0.50 (0.451) and a SpliceAI score ≤ 0.20 (0.0) (BP4). In summary, the clinical significance of this variant is uncertain. ACMG/AMP criteria applied, as specified by the Myeloid Malignancy Variant Curation Expert Panel for RUNX1: BP4.

Ambry Genetics
Classification: Uncertain significance for Inborn genetic diseases. Last evaluated: 2025-09-10. Review status: criteria provided, single submitter. Criteria: Ambry Variant Classification Scheme 2023. Collection method: clinical testing. Allele origin: germline. Not counted in ClinVar's aggregate classification.
Comment: The p.M368L variant (also known as c.1102A>T), located in coding exon 8 of the RUNX1 gene, results from an A to T substitution at nucleotide position 1102. The methionine at codon 368 is replaced by leucine, an amino acid with highly similar properties. This amino acid position is highly conserved in available vertebrate species. In addition, the in silico prediction for this alteration is inconclusive. Based on the available evidence, the clinical significance of this variant remains unclear.

GeneDx
Classification: Uncertain significance. Last evaluated: 2025-01-31. Review status: criteria provided, single submitter. Criteria: GeneDx Variant Classification Process June 2021. Collection method: clinical testing. Allele origin: germline. Affected: yes. Not counted in ClinVar's aggregate classification.
Comment: Not observed at significant frequency in large population cohorts (gnomAD); In silico analysis indicates that this missense variant does not alter protein structure/function; Has not been previously published as pathogenic or benign to our knowledge

Labcorp Genetics (formerly Invitae), Labcorp
Classification: Uncertain significance for Hereditary thrombocytopenia and hematological cancer predisposition syndrome associated with RUNX1. Last evaluated: 2024-03-06. Review status: criteria provided, single submitter. Criteria: Invitae Variant Classification Sherloc (09022015). Collection method: clinical testing. Allele origin: germline. Not counted in ClinVar's aggregate classification.
Comment: This sequence change replaces methionine, which is neutral and non-polar, with leucine, which is neutral and non-polar, at codon 368 of the RUNX1 protein (p.Met368Leu). This variant is not present in population databases (gnomAD no frequency). This variant has not been reported in the literature in individuals affected with RUNX1-related conditions. ClinVar contains an entry for this variant (Variation ID: 1040892). Advanced modeling of protein sequence and biophysical properties (such as structural, functional, and spatial information, amino acid conservation, physicochemical variation, residue mobility, and thermodynamic stability) performed at Invitae indicates that this missense variant is not expected to disrupt RUNX1 protein function with a negative predictive value of 80%. In summary, the available evidence is currently insufficient to determine the role of this variant in disease. Therefore, it has been classified as a Variant of Uncertain Significance.

NM_001754.5(RUNX1):c.1102A>T (p.Met368Leu)

Gene: RUNX1 (RUNX family transcription factor 1; minus strand). Cytogenetic location: 21q22.12.
Variant type: single nucleotide variant.
Coding change: c.1102A>T on transcript NM_001754.5 (MANE Select); coding-DNA position 1102, A replaced by T.
Protein change: p.Met368Leu; replaces methionine 368 with leucine.
Molecular consequence: missense variant.
Genome position (GRCh38, 1-based): chr21:34,792,476, T>A on the plus strand (A>T on the coding strand, the complement: RUNX1 is on the minus strand). VCF-style: chr21-34792476-T-A. GRCh37 (hg19) VCF-style: chr21-36164773-T-A.
Other names: NM_001754.5(RUNX1):c.1102A>T; p.Met368Leu; c.1102A>T (NM_001754.4); c.1021A>T, p.Met341Leu (NM_001001890.3); short protein forms M341L, M368L.
Identifiers: ClinVar variation 1040892 (VCV001040892.11), dbSNP rs1256464750, ClinGen allele CA410148122.
Genomic context (GRCh38, chr21:34,792,476, plus strand): 5'-AGCCGGGGTAGGGCGGCGGCAGGTAGGTGTGGTAGCGCGTGGCCGAGCCCATGGCCGACA[T>A]GCCGATGCCGATGCCCGAGGTGACCGGCGTCGGGGAGTAGGTGAAGGCGCCTGGATAGTG-3'
Protein context (NP_001745.2, residues 358-378): TPVTSGIGIG[Met368Leu]SAMGSATRYH